The following is an entry in ClinVar:

ClinVar aggregate classification (germline): Likely benign. Review status: criteria provided, multiple submitters, no conflicts (2 of 4 stars). 10 submissions from 7 submitters: Likely benign (10). Last evaluated 2025-10-21.

Conditions:
Malignant hyperthermia, susceptibility to, 5 (MHS5). Also called: CACNA1S-Related Malignant Hyperthermia Susceptibility. Identifiers: Orphanet 423, MedGen C1866077, MONDO:0011163, OMIM 601887.
Thyrotoxic periodic paralysis, susceptibility to, 1 (TTPP1). Identifiers: Orphanet 79102, MedGen C2749982, MONDO:0008570, OMIM 188580.
Hypokalemic periodic paralysis, type 1. Also called: Hypokalemic Periodic Paralysis Type 1 (AD); HypoPP. Identifiers: Orphanet 681, MedGen C3714580, MONDO:0042979, OMIM 170400.
Congenital myopathy 18. Also called: DIHYDROPYRIDINE RECEPTOR CONGENITAL MYOPATHY; DHPR CONGENITAL MYOPATHY; Myopathy, congenital, due to dihydropyridine receptor defect. Identifiers: MedGen C5830283, MONDO:0859514, OMIM 620246.
CACNA1S-related disorder. Also called: CACNA1S-related condition.

Allele frequency attached by ClinVar (database versions not stated): gnomAD 0.00007 and 0.00009; ESP Exome Variant Server 0.00008; gnomAD exomes 0.00008 and 0.00015; ExAC 0.00011; TOPMed 0.00011.

Submissions (10):

Labcorp Genetics (formerly Invitae), Labcorp
Classification: Likely benign for Hypokalemic periodic paralysis, type 1; Malignant hyperthermia, susceptibility to, 5. Last evaluated: 2025-10-21. Review status: criteria provided, single submitter. Criteria: Invitae Variant Classification Sherloc (09022015). Collection method: clinical testing. Allele origin: germline.

Women's Health and Genetics/Laboratory Corporation of America, LabCorp
Classification: Likely benign. Last evaluated: 2025-06-26. Review status: criteria provided, single submitter. Criteria: LabCorp Variant Classification Summary - May 2015. Collection method: clinical testing. Allele origin: germline.
Comment: Variant summary: CACNA1S c.3525+7delG alters a nucleotide located at a position not widely known to affect splicing. Consensus agreement among computation tools predict no significant impact on normal splicing. However, these predictions have yet to be confirmed by functional studies. The variant allele was found at a frequency of 8.4e-05 in 251020 control chromosomes (gnomAD). This frequency is not significantly higher than estimated for a pathogenic variant in CACNA1S causing Congenital Myopathy 18-AR (8.4e-05 vs 0.0011), allowing no conclusion about variant significance. To our knowledge, no occurrence of c.3525+7delG in individuals affected with Congenital Myopathy 18-AR and no experimental evidence demonstrating its impact on protein function have been reported. ClinVar contains an entry for this variant (Variation ID: 446961). Based on the evidence outlined above, the variant was classified as likely benign.

PreventionGenetics, part of Exact Sciences
Classification: Likely benign for CACNA1S-related condition. Last evaluated: 2025-02-07. Review status: criteria provided, single submitter. Criteria: ACMG Guidelines, 2015. Collection method: clinical testing. Allele origin: germline.
Comment: This variant is classified as likely benign based on ACMG/AMP sequence variant interpretation guidelines (Richards et al. 2015 PMID: 25741868, with internal and published modifications).

CeGaT Center for Human Genetics Tuebingen
Classification: Likely benign. Last evaluated: 2023-05-01. Review status: criteria provided, single submitter. Criteria: CeGaT Center For Human Genetics Tuebingen Variant Classification Criteria Version 2. Collection method: clinical testing. Allele origin: germline. Affected: yes. Observed: 1 variant allele.
Comment: CACNA1S: BP4

Genome-Nilou Lab
Classification: Likely benign for Malignant hyperthermia, susceptibility to, 5. Last evaluated: 2023-04-11. Review status: criteria provided, single submitter. Criteria: ACMG Guidelines, 2015. Collection method: clinical testing. Allele origin: germline. Affected: no.

Genome-Nilou Lab
Classification: Likely benign for Thyrotoxic periodic paralysis, susceptibility to, 1. Last evaluated: 2023-04-11. Review status: criteria provided, single submitter. Criteria: ACMG Guidelines, 2015. Collection method: clinical testing. Allele origin: germline. Affected: no.

Genome-Nilou Lab
Classification: Likely benign for Congenital myopathy 18. Last evaluated: 2023-04-11. Review status: criteria provided, single submitter. Criteria: ACMG Guidelines, 2015. Collection method: clinical testing. Allele origin: germline. Affected: no.

Genome-Nilou Lab
Classification: Likely benign for Hypokalemic periodic paralysis, type 1. Last evaluated: 2023-04-11. Review status: criteria provided, single submitter. Criteria: ACMG Guidelines, 2015. Collection method: clinical testing. Allele origin: germline. Affected: no.

Fulgent Genetics
Classification: Likely benign for Hypokalemic periodic paralysis, type 1; Thyrotoxic periodic paralysis, susceptibility to, 1; Malignant hyperthermia, susceptibility to, 5. Last evaluated: 2021-12-14. Review status: criteria provided, single submitter. Criteria: ACMG Guidelines, 2015. Collection method: clinical testing. Allele origin: unknown.

Athena Diagnostics
Classification: Likely benign. Last evaluated: 2017-03-28. Review status: criteria provided, single submitter. Criteria: Athena Diagnostics Criteria. Collection method: clinical testing. Allele origin: germline.

NM_000069.3(CACNA1S):c.3525+7del

Gene: CACNA1S (calcium voltage-gated channel subunit alpha1 S; minus strand). Cytogenetic location: 1q32.1.
Variant type: Deletion.
Coding change: c.3525+7del on transcript NM_000069.3 (MANE Select); 7 bases into the intron after coding-DNA position 3525, one base deleted (G; older notation c.3525+7delG).
Molecular consequence: intron variant.
Genome position (GRCh38, 1-based): chr1:201,059,182, C deleted on the plus strand (G on the coding strand, the reverse complement: CACNA1S is on the minus strand). VCF-style (leftmost placement, unchanged base first): chr1-201059181-AC-A. GRCh37 (hg19) VCF-style: chr1-201028309-AC-A.
Other names: c.3525+7delG (NM_000069.3, NM_000069.2).
Identifiers: ClinVar variation 446961 (VCV000446961.45), dbSNP rs759199210, ClinGen allele CA082590.